The following is an entry in ClinVar:

ClinVar aggregate classification (germline): Pathogenic (1 of 4 stars; one submission).

Conditions:
Birt-Hogg-Dube syndrome 1 (BHD1). Also called: FIBROFOLLICULOMAS WITH TRICHODISCOMAS AND ACROCHORDONS. Identifiers: Orphanet 122, MedGen CN375946, MONDO:0800445, OMIM 135150.

Submission:

Myriad Genetics, Inc.
Classification: Pathogenic for Birt-Hogg-Dube syndrome 1. Last evaluated: 2026-02-11. Review status: criteria provided, single submitter. Criteria: Myriad Autosomal Dominant, Autosomal Recessive and X-Linked Classification Criteria (2023). Collection method: clinical testing. Allele origin: unknown.
Comment: This variant is considered pathogenic. This variant creates a frameshift predicted to result in premature protein truncation.

NM_144997.7(FLCN):c.202_227del (p.Ser68fs)

Gene: FLCN (folliculin; minus strand). Cytogenetic location: 17p11.2.
Variant type: Deletion.
Coding change: c.202_227del on transcript NM_144997.7 (MANE Select); coding-DNA positions 202 to 227, 26 bases deleted (AGCGTCGAGTCCAGCAGCCCGGGGCC).
Protein change: p.Ser68fs; shifts the reading frame from serine 68.
Molecular consequence: frameshift variant.
Genome position (GRCh38, 1-based): chr17:17,227,911-17,227,936, GGCCCCGGGCTGCTGGACTCGACGCT deleted on the plus strand (AGCGTCGAGTCCAGCAGCCCGGGGCC on the coding strand, the reverse complement: FLCN is on the minus strand); deleting any 26 consecutive bases within chr17:17,227,911-17,227,942 gives the same sequence; the c. name uses the placement nearest the transcript's 3' end. VCF-style (leftmost placement, unchanged base first): chr17-17227910-GGGCCCCGGGCTGCTGGACTCGACGCT-G. GRCh37 (hg19) VCF-style: chr17-17131224-GGGCCCCGGGCTGCTGGACTCGACGCT-G.
Other names: c.202_227del, p.Ser68fs (NM_001353229.2, NM_001353230.2, NM_001353231.2 and 1 more transcripts); short protein forms S68fs.
Identifiers: ClinVar variation 4856742 (VCV004856742.1).